The following is an entry in ClinVar:

ClinVar aggregate classification (germline): Uncertain significance. Review status: criteria provided, multiple submitters, no conflicts (2 of 4 stars). 2 submissions from 2 submitters: Uncertain significance (2). Last evaluated 2023-06-29.

Conditions:
Giant axonal neuropathy 1 (GAN1). Also called: GIANT AXONAL NEUROPATHY 1, AUTOSOMAL RECESSIVE; GAN-Related Neurodegeneration. Identifiers: Orphanet 643, MedGen C1850386, MONDO:0009749, OMIM 256850.

Allele frequency attached by ClinVar (database versions not stated): gnomAD 0.00001; gnomAD exomes below 0.00001; ExAC 0.00001.
gnomAD v4.1: 6 of 1,613,856 alleles (0.00037%); highest among the groups gnomAD compares: African/African-American, 0.0013%; no homozygotes.

Submissions (2):

GeneDx
Classification: Uncertain significance. Last evaluated: 2023-06-29. Review status: criteria provided, single submitter. Criteria: GeneDx Variant Classification Process June 2021. Collection method: clinical testing. Allele origin: germline. Affected: yes.
Comment: Not observed at significant frequency in large population cohorts (gnomAD); Missense variants in this gene are often considered pathogenic (HGMD); In silico analysis supports that this missense variant has a deleterious effect on protein structure/function; Has not been previously published as pathogenic or benign to our knowledge

Labcorp Genetics (formerly Invitae), Labcorp
Classification: Uncertain significance for Giant axonal neuropathy 1. Last evaluated: 2023-06-29. Review status: criteria provided, single submitter. Criteria: Invitae Variant Classification Sherloc (09022015). Collection method: clinical testing. Allele origin: germline.
Comment: Advanced modeling of protein sequence and biophysical properties (such as structural, functional, and spatial information, amino acid conservation, physicochemical variation, residue mobility, and thermodynamic stability) performed at Invitae indicates that this missense variant is not expected to disrupt GAN protein function. In summary, the available evidence is currently insufficient to determine the role of this variant in disease. Therefore, it has been classified as a Variant of Uncertain Significance. ClinVar contains an entry for this variant (Variation ID: 1499199). This variant has not been reported in the literature in individuals affected with GAN-related conditions. This variant is present in population databases (rs751666826, gnomAD 0.0009%). This sequence change replaces serine, which is neutral and polar, with glycine, which is neutral and non-polar, at codon 313 of the GAN protein (p.Ser313Gly).

NM_022041.4(GAN):c.937A>G (p.Ser313Gly)

Gene: GAN (gigaxonin; plus strand). Cytogenetic location: 16q23.2.
Variant type: single nucleotide variant.
Coding change: c.937A>G on transcript NM_022041.4 (MANE Select); coding-DNA position 937, A replaced by G.
Protein change: p.Ser313Gly; replaces serine 313 with glycine.
Molecular consequence: missense variant.
Genome position (GRCh38, 1-based): chr16:81,357,895, A>G. VCF-style: chr16-81357895-A-G. GRCh37 (hg19) VCF-style: chr16-81391500-A-G.
Other names: c.298A>G, p.Ser100Gly (NM_001377486.1); c.937A>G (NM_022041.3); short protein forms S100G, S313G.
Identifiers: ClinVar variation 1499199 (VCV001499199.7), dbSNP rs751666826, ClinGen allele CA8191538.